The following is an entry in ClinVar:

NM_020631.6(PLEKHG5):c.2074_2075del (p.Gln692fs)

Gene: PLEKHG5 (pleckstrin homology and RhoGEF domain containing G5; minus strand). Cytogenetic location: 1p36.31.
Variant type: Microsatellite.
Coding change: c.2074_2075del on transcript NM_020631.6 (MANE Select); coding-DNA positions 2074 to 2075, 2 bases deleted (CA; older notation c.2074_2075delCA).
Protein change: p.Gln692fs; shifts the reading frame from glutamine 692.
Molecular consequence: frameshift variant.
Genome position (GRCh38, 1-based): chr1:6,469,216-6,469,217, TG deleted on the plus strand (CA on the coding strand, the reverse complement: PLEKHG5 is on the minus strand); deleting any 2 consecutive bases within chr1:6,469,216-6,469,219 gives the same sequence; the c. name uses the placement nearest the transcript's 3' end. VCF-style (leftmost placement, unchanged base first): chr1-6469215-CTG-C. GRCh37 (hg19) VCF-style: chr1-6529275-CTG-C.
Other names: c.2185_2186del, p.Gln729fs (NM_001042663.3, NM_001265592.2); c.2072_2073CA[1], p.Gln692Glyfs (NM_001042664.2, NM_001042665.2, NM_001265594.3); c.2279_2280CA[1], p.Gln761Glyfs (NM_001265593.2); c.2074_2075del, p.Gln692fs (NM_198681.4); short protein forms Q729fs, Q761fs, Q692fs.
Identifiers: ClinVar variation 1453868 (VCV001453868.6), dbSNP rs2148578668, ClinGen allele CA2580611388.

ClinVar aggregate classification (germline): Pathogenic (1 of 4 stars; one submission).

Conditions:
Neuronopathy, distal hereditary motor, autosomal recessive 4. Also called: NEUROPATHY, DISTAL HEREDITARY MOTOR, AUTOSOMAL RECESSIVE 4; Autosomal recessive lower motor neuron disease with childhood onset. Identifiers: Orphanet 206580, MedGen C1970211, MONDO:0012608, OMIM 611067.
Charcot-Marie-Tooth disease recessive intermediate C. Also called: CHARCOT-MARIE-TOOTH NEUROPATHY, RECESSIVE INTERMEDIATE C. Identifiers: Orphanet 369867, MedGen C3809309, MONDO:0014154, OMIM 615376.

Submission:

Labcorp Genetics (formerly Invitae), Labcorp
Classification: Pathogenic for Neuronopathy, distal hereditary motor, autosomal recessive 4; Charcot-Marie-Tooth disease recessive intermediate C. Last evaluated: 2021-10-04. Review status: criteria provided, single submitter. Criteria: Invitae Variant Classification Sherloc (09022015). Collection method: clinical testing. Allele origin: germline.
Comment: For these reasons, this variant has been classified as Pathogenic. This variant has not been reported in the literature in individuals affected with PLEKHG5-related conditions. This variant is not present in population databases (ExAC no frequency). This sequence change creates a premature translational stop signal (p.Gln692Glyfs*18) in the PLEKHG5 gene. It is expected to result in an absent or disrupted protein product. Loss-of-function variants in PLEKHG5 are known to be pathogenic (PMID: 17564964, 23777631).

Literature cited by the submitters: PubMed 17564964; PubMed 23777631.